The following is an entry in ClinVar:

ClinVar aggregate classification (germline): Uncertain significance. Review status: criteria provided, multiple submitters, no conflicts (2 of 4 stars). 3 submissions from 3 submitters: Uncertain significance (3). Last evaluated 2025-02-20.

Conditions:
CACNA1A-related disorder. Also called: CACNA1A-related condition.
Episodic ataxia type 2 (EA2). Also called: ATAXIA, EPISODIC, WITH NYSTAGMUS; ATAXIA, FAMILIAL PAROXYSMAL; CEREBELLAR ATAXIA, PAROXYSMAL, ACETAZOLAMIDE-RESPONSIVE; CEREBELLOPATHY, HEREDITARY PAROXYSMAL; ACETAZOLAMIDE-RESPONSIVE HEREDITARY PAROXYSMAL CEREBELLAR ATAXIA; EPISODIC ATAXIA, NYSTAGMUS-ASSOCIATED. Identifiers: Orphanet 97, MedGen C1720416, MONDO:0007163, OMIM 108500.
Developmental and epileptic encephalopathy, 42 (DEE42A). Also called: DEVELOPMENTAL AND EPILEPTIC ENCEPHALOPATHY 42A; EPILEPTIC ENCEPHALOPATHY, EARLY INFANTILE, 42A; Epileptic encephalopathy, early infantile, 42. Identifiers: MedGen C4310716, MONDO:0014917, OMIM 617106.

Allele frequency attached by ClinVar (database versions not stated): gnomAD 0.00001; gnomAD exomes 0.00001; TOPMed 0.00001.
gnomAD v4.1: 20 of 1,537,040 alleles (0.0013%); highest among the groups gnomAD compares: Non-Finnish European, 0.0017%; no homozygotes.

Submissions (3):

Labcorp Genetics (formerly Invitae), Labcorp
Classification: Uncertain significance for Developmental and epileptic encephalopathy, 42; Episodic ataxia type 2. Last evaluated: 2025-02-20. Review status: criteria provided, single submitter. Criteria: Invitae Variant Classification Sherloc (09022015). Collection method: clinical testing. Allele origin: germline.
Comment: This sequence change replaces glycine, which is neutral and non-polar, with arginine, which is basic and polar, at codon 2179 of the CACNA1A protein (p.Gly2179Arg). This variant is present in population databases (no rsID available, gnomAD 0.002%). This variant has not been reported in the literature in individuals affected with CACNA1A-related conditions. ClinVar contains an entry for this variant (Variation ID: 1497848). Invitae Evidence Modeling of protein sequence and biophysical properties (such as structural, functional, and spatial information, amino acid conservation, physicochemical variation, residue mobility, and thermodynamic stability) indicates that this missense variant is not expected to disrupt CACNA1A protein function with a negative predictive value of 95%. In summary, the available evidence is currently insufficient to determine the role of this variant in disease. Therefore, it has been classified as a Variant of Uncertain Significance.

GeneDx
Classification: Uncertain significance. Last evaluated: 2023-08-09. Review status: criteria provided, single submitter. Criteria: GeneDx Variant Classification Process June 2021. Collection method: clinical testing. Allele origin: germline. Affected: yes.
Comment: Not observed at significant frequency in large population cohorts (gnomAD); In silico analysis supports that this missense variant has a deleterious effect on protein structure/function; Has not been previously published as pathogenic or benign to our knowledge

PreventionGenetics, part of Exact Sciences
Classification: Uncertain significance for CACNA1A-related condition. Last evaluated: 2023-07-16. Review status: criteria provided, single submitter. Criteria: ACMG Guidelines, 2015. Collection method: clinical testing. Allele origin: germline.
Comment: The CACNA1A c.6532G>A variant is predicted to result in the amino acid substitution p.Gly2178Arg. To our knowledge, this variant has not been reported in the literature. This variant is reported in 0.0018% of alleles in individuals of European (Non-Finnish) descent in gnomAD. At this time, the clinical significance of this variant is uncertain due to the absence of conclusive functional and genetic evidence.

NM_001127222.2(CACNA1A):c.6532G>A (p.Gly2178Arg)

Gene: CACNA1A (calcium voltage-gated channel subunit alpha1 A; minus strand). Cytogenetic location: 19p13.13.
Variant type: single nucleotide variant.
Coding change: c.6532G>A on transcript NM_001127222.2 (MANE Select); coding-DNA position 6532, G replaced by A.
Protein change: p.Gly2178Arg; replaces glycine 2178 with arginine.
Molecular consequence: missense variant.
Genome position (GRCh38, 1-based): chr19:13,209,004, C>T on the plus strand (G>A on the coding strand, the complement: CACNA1A is on the minus strand). VCF-style: chr19-13209004-C-T. GRCh37 (hg19) VCF-style: chr19-13319818-C-T.
Other names: c.6550G>A, p.Gly2184Arg (NM_000068.4, NM_023035.3); c.6535G>A, p.Gly2179Arg (NM_001127221.2); c.6541G>A, p.Gly2181Arg (NM_001174080.2); c.6532G>A (NM_001127222.1); c.6535G>A (NM_001127221.1); short protein forms G2179R, G2184R, G2178R, G2181R.
Identifiers: ClinVar variation 1497848 (VCV001497848.10), dbSNP rs953871050, ClinGen allele CA305547717.